The following is an entry in ClinVar:

ClinVar aggregate classification (germline): Uncertain significance (1 of 4 stars; one submission).

Allele frequency attached by ClinVar (database versions not stated): TOPMed 0.00001; gnomAD 0.00003.

Submission:

Labcorp Genetics (formerly Invitae), Labcorp
Classification: Uncertain significance. Last evaluated: 2023-10-29. Review status: criteria provided, single submitter. Criteria: Invitae Variant Classification Sherloc (09022015). Collection method: clinical testing. Allele origin: germline.
Comment: This sequence change creates a premature translational stop signal (p.Ser1219Glufs*53) in the WNK4 gene. It is expected to result in an absent or disrupted protein product. However, the current clinical and genetic evidence is not sufficient to establish whether loss-of-function variants in WNK4 cause disease. This variant is present in population databases (rs775430894, gnomAD 0.006%). This variant has not been reported in the literature in individuals affected with WNK4-related conditions. In summary, the available evidence is currently insufficient to determine the role of this variant in disease. Therefore, it has been classified as a Variant of Uncertain Significance.

NM_032387.5(WNK4):c.3653dup (p.Ser1219fs)

Gene: WNK4 (WNK lysine deficient protein kinase 4; plus strand). Cytogenetic location: 17q21.2.
Variant type: Duplication.
Coding change: c.3653dup on transcript NM_032387.5 (MANE Select); coding-DNA position 3653, one base duplicated (T; older notation c.3653dupT).
Protein change: p.Ser1219fs; shifts the reading frame from serine 1219.
Molecular consequence: frameshift variant.
Genome position (GRCh38, 1-based): chr17:42,796,502, T duplicated. VCF-style (leftmost placement, unchanged base first): chr17-42796501-C-CT. GRCh37 (hg19) VCF-style: chr17-40948519-C-CT.
Other names: c.2645dup, p.Ser883fs (NM_001321299.2); short protein forms S1219fs, S883fs.
Identifiers: ClinVar variation 2713770 (VCV002713770.3), dbSNP rs775430894, ClinGen allele CA8584668.
Genomic context (GRCh38, chr17:42,796,501, plus strand): 5'-TTCCTCACTTAGTGCTCTCCTTCCCCCATCCTGCTCCCAGGCATCATGCGAAGGAACTCT[C>CT]TGAGTGGCAGCAGCACCGGCTCCCAGGAGCAGCGGGCAAGCAAGGGGGTGACATTCGCCG-3'